The following is an entry in ClinVar:

NM_001080421.3(UNC13A):c.40G>T (p.Asp14Tyr)

Gene: UNC13A (unc-13 homolog A; minus strand). Cytogenetic location: 19p13.11.
Variant type: single nucleotide variant.
Coding change: c.40G>T on transcript NM_001080421.3 (MANE Select); coding-DNA position 40, G replaced by T.
Protein change: p.Asp14Tyr; replaces aspartic acid 14 with tyrosine.
Molecular consequence: missense variant.
Genome position (GRCh38, 1-based): chr19:17,676,024, C>A on the plus strand (G>T on the coding strand, the complement: UNC13A is on the minus strand). VCF-style: chr19-17676024-C-A. GRCh37 (hg19) VCF-style: chr19-17786833-C-A.
Other names: c.40G>T, p.Asp14Tyr (NM_001387021.1, NM_001387022.1, NM_001387023.1); short protein forms D14Y.
Identifiers: ClinVar variation 3040978 (VCV003040978.3), dbSNP rs139884068, ClinGen allele CA9298931.
Genomic context (GRCh38, chr19:17,676,024, plus strand): 5'-ACAGACAGACAGACAACACGGGACAGGACAGCAAGAGAAGCCACTTACCTTGGGCACCAT[C>A]AAACTTGGCTTTTTTGACTGTGGAGAGAGACAGAGATAGGGAAGGGAGGTGGGGAGAGAT-3'
Protein context (NP_001073890.2, residues 4-24): LCVGVKKAKF[Asp14Tyr]GAQEKFNTYV

ClinVar aggregate classification (germline): Uncertain significance. Review status: criteria provided, single submitter (1 of 4 stars). 2 submissions from 2 submitters: Uncertain significance (1). 1 of the submissions does not count toward it. Last evaluated 2021-08-02.

Conditions:
UNC13A-related disorder. Also called: UNC13A-related condition.

Allele frequency attached by ClinVar (database versions not stated): gnomAD exomes 0.00005; ExAC 0.00019; 1000 Genomes Project 30x 0.00031; 1000 Genomes Project 0.00040; ESP Exome Variant Server 0.00076; TOPMed 0.00081; gnomAD 0.00084.
gnomAD v4.1: 200 of 1,551,546 alleles (0.013%); highest among the groups gnomAD compares: African/African-American, 0.24%; no homozygotes.

Submissions (2):

Ambry Genetics
Classification: Uncertain significance. Last evaluated: 2021-08-02. Review status: criteria provided, single submitter. Criteria: Ambry Variant Classification Scheme 2023. Collection method: clinical testing. Allele origin: germline.

PreventionGenetics, part of Exact Sciences
Classification: Likely benign for UNC13A-related condition. Last evaluated: 2024-01-30. Review status: no assertion criteria provided. Collection method: clinical testing. Allele origin: germline. Not counted in ClinVar's aggregate classification.
Comment: This variant is classified as likely benign based on ACMG/AMP sequence variant interpretation guidelines (Richards et al. 2015 PMID: 25741868, with internal and published modifications).